The following is an entry in ClinVar:

ClinVar aggregate classification (germline): Uncertain significance (1 of 4 stars; one submission).

Conditions:
Inborn genetic diseases. Identifiers: MedGen C0950123, MeSH D030342.

Submission:

Ambry Genetics
Classification: Uncertain significance for Inborn genetic diseases. Last evaluated: 2026-07-22. Review status: criteria provided, single submitter. Criteria: Ambry Variant Classification Scheme 2023. Collection method: clinical testing. Allele origin: germline.
Comment: The p.N8D variant (also known as c.22A>G), located in coding exon 1 of the SBDS gene, results from an A to G substitution at nucleotide position 22. The asparagine at codon 8 is replaced by aspartic acid, an amino acid with highly similar properties. This amino acid position is conserved. In addition, the in silico prediction for this alteration is inconclusive. Based on the available evidence, the clinical significance of this variant remains unclear.

NM_016038.4(SBDS):c.22A>G (p.Asn8Asp)

Gene: SBDS (SBDS ribosome maturation factor; minus strand). Cytogenetic location: 7q11.21.
Variant type: single nucleotide variant.
Coding change: c.22A>G on transcript NM_016038.4 (MANE Select); coding-DNA position 22, A replaced by G.
Protein change: p.Asn8Asp; replaces asparagine 8 with aspartic acid.
Molecular consequence: missense variant.
Genome position (GRCh38, 1-based): chr7:66,995,396, T>C on the plus strand (A>G on the coding strand, the complement: SBDS is on the minus strand). VCF-style: chr7-66995396-T-C. GRCh37 (hg19) VCF-style: chr7-66460383-T-C.
Other names: short protein forms N8D.
Identifiers: ClinVar variation 5029023 (VCV005029023.1).